The following is an entry in ClinVar:

ClinVar aggregate classification (germline): Pathogenic (1 of 4 stars; one submission).

Conditions:
Myoclonic dystonia 11 (DYT11). Also called: Myoclonic dystonia; Dystonia 11; Dystonia, alcohol responsive; Hereditary essential myoclonus; SGCE Myoclonus-Dystonia; Myoclonus-Dystonia. Identifiers: Orphanet 36899, MedGen C1834570, MONDO:0008044, OMIM 159900.

Submission:

Labcorp Genetics (formerly Invitae), Labcorp
Classification: Pathogenic for Myoclonic dystonia 11. Last evaluated: 2021-11-21. Review status: criteria provided, single submitter. Criteria: Invitae Variant Classification Sherloc (09022015). Collection method: clinical testing. Allele origin: germline.
Comment: This sequence change creates a premature translational stop signal (p.Trp191Alafs*25) in the SGCE gene. It is expected to result in an absent or disrupted protein product. Loss-of-function variants in SGCE are known to be pathogenic (PMID: 12821748, 15389977, 17853490, 24297365). This variant is not present in population databases (gnomAD no frequency). This variant has not been reported in the literature in individuals affected with SGCE-related conditions. For these reasons, this variant has been classified as Pathogenic.

Literature cited by the submitters: PubMed 12821748; PubMed 15389977; PubMed 17853490; PubMed 24297365.

NM_003919.3(SGCE):c.571_572del (p.Trp191fs)

Genes: CASD1 (CAS1 domain sialic acid O acetyltransferase 1; plus strand), SGCE (sarcoglycan epsilon; minus strand). Cytogenetic location: 7q21.3.
Variant type: Microsatellite.
Coding change: c.571_572del on transcript NM_003919.3 (MANE Select); coding-DNA positions 571 to 572, 2 bases deleted (TG; older notation c.571_572delTG).
Protein change: p.Trp191fs; shifts the reading frame from tryptophan 191.
Molecular consequence: frameshift variant.
Genome position (GRCh38, 1-based): chr7:94,618,848-94,618,849, CA deleted on the plus strand (TG on the coding strand, the reverse complement: SGCE is on the minus strand); deleting any 2 consecutive bases within chr7:94,618,848-94,618,853 gives the same sequence; the c. name uses the placement nearest the transcript's 3' end. VCF-style (leftmost placement, unchanged base first): chr7-94618847-CCA-C. GRCh37 (hg19) VCF-style: chr7-94248159-CCA-C.
Other names: c.571_572del, p.Trp191fs (NM_001099400.2, NM_001099401.2, NM_001346717.2); c.448_449del, p.Trp150fs (NM_001301139.2, NM_001362809.2); c.679_680del, p.Trp227fs (NM_001346713.2, NM_001346715.2); c.484_485del, p.Trp162fs (NM_001346719.2, NM_001362807.2); c.298_299del, p.Trp100fs (NM_001346720.2, NM_001362808.2); short protein forms W162fs, W227fs, W100fs, W150fs, W191fs.
Identifiers: ClinVar variation 1454373 (VCV001454373.6), dbSNP rs2116881558, ClinGen allele CA2580615936.